The following is an entry in ClinVar:

ClinVar aggregate classification (germline): Uncertain significance (1 of 4 stars; one submission).

Conditions:
Left ventricular noncompaction 1 (LVNC1). Also called: LEFT VENTRICULAR NONCOMPACTION 1 WITH OR WITHOUT CONGENITAL HEART DEFECTS. Identifiers: Orphanet 54260, MedGen C1858725, MONDO:0011403, OMIM 604169.

Submission:

Labcorp Genetics (formerly Invitae), Labcorp
Classification: Uncertain significance for Left ventricular noncompaction 1. Last evaluated: 2025-01-17. Review status: criteria provided, single submitter. Criteria: Invitae Variant Classification Sherloc (09022015). Collection method: clinical testing. Allele origin: germline.
Comment: This sequence change replaces glutamic acid, which is acidic and polar, with glycine, which is neutral and non-polar, at codon 314 of the DTNA protein (p.Glu314Gly). This variant is not present in population databases (gnomAD no frequency). This variant has not been reported in the literature in individuals affected with DTNA-related conditions. Invitae Evidence Modeling of protein sequence and biophysical properties (such as structural, functional, and spatial information, amino acid conservation, physicochemical variation, residue mobility, and thermodynamic stability) indicates that this missense variant is not expected to disrupt DTNA protein function with a negative predictive value of 80%. In summary, the available evidence is currently insufficient to determine the role of this variant in disease. Therefore, it has been classified as a Variant of Uncertain Significance.

NM_001386795.1(DTNA):c.941A>G (p.Glu314Gly)

Gene: DTNA (dystrobrevin alpha; plus strand). Cytogenetic location: 18q12.1.
Variant type: single nucleotide variant.
Coding change: c.941A>G on transcript NM_001386795.1 (MANE Select); coding-DNA position 941, A replaced by G.
Protein change: p.Glu314Gly; replaces glutamic acid 314 with glycine.
Molecular consequence: missense variant. On other transcripts: 5 prime UTR variant (4), intron variant (1).
Genome position (GRCh38, 1-based): chr18:34,820,855, A>G. VCF-style: chr18-34820855-A-G. GRCh37 (hg19) VCF-style: chr18-32400819-A-G.
Other names: c.941A>G, p.Glu314Gly (NM_001386768.1, NM_001386769.1, NM_001386770.1 and 34 more transcripts); c.-14A>G (NM_001198942.1, NM_001198944.1, NM_032980.4 and 1 more transcripts); c.191A>G, p.Glu64Gly (NM_001198943.1); c.603+8742A>G (NM_001198945.2); short protein forms E64G, E314G.
Identifiers: ClinVar variation 3666101 (VCV003666101.2).